The following is an entry in ClinVar:

NM_000397.4(CYBB):c.1011G>A (p.Trp337Ter)

Gene: CYBB (cytochrome b-245 beta chain; plus strand). Cytogenetic location: Xp11.4.
Variant type: single nucleotide variant.
Coding change: c.1011G>A on transcript NM_000397.4 (MANE Select); coding-DNA position 1011, G replaced by A.
Protein change: p.Trp337Ter; replaces tryptophan 337 with a stop codon.
Molecular consequence: nonsense.
Genome position (GRCh38, 1-based): chrX:37,803,990, G>A. VCF-style: chrX-37803990-G-A. GRCh37 (hg19) VCF-style: chrX-37663243-G-A.
Other names: short protein forms W337*.
Identifiers: ClinVar variation 573596 (VCV000573596.9), dbSNP rs1569479943, ClinGen allele CA412977269.

ClinVar aggregate classification (germline): Pathogenic (1 of 4 stars; one submission).

Conditions:
Granulomatous disease, chronic, X-linked. Also called: CYTOCHROME b-NEGATIVE GRANULOMATOUS DISEASE, CHRONIC, X-LINKED; GRANULOMATOUS DISEASE, CHRONIC, X-LINKED, SOMATIC MOSAIC. Identifiers: Orphanet 379, MedGen C1844376, MONDO:0010600, OMIM 306400.

Submission:

Labcorp Genetics (formerly Invitae), Labcorp
Classification: Pathogenic for Granulomatous disease, chronic, X-linked. Last evaluated: 2018-06-29. Review status: criteria provided, single submitter. Criteria: Invitae Variant Classification Sherloc (09022015). Collection method: clinical testing. Allele origin: germline.
Comment: For these reasons, this variant has been classified as Pathogenic. Loss-of-function variants in CYBB are known to be pathogenic (PMID: 9585602, 20729109). This variant has been observed in individuals affected with X-linked chronic granulomatous disease (PMID: 18322777, 20729109). This variant is not present in population databases (ExAC no frequency). This sequence change creates a premature translational stop signal (p.Trp337*) in the CYBB gene. It is expected to result in an absent or disrupted protein product.

Literature cited by the submitters: PubMed 9585602; PubMed 20729109; PubMed 18322777.